The following is an entry in ClinVar:

NM_080473.5(GATA5):c.852G>C (p.Lys284Asn)

Gene: GATA5 (GATA binding protein 5; minus strand). Cytogenetic location: 20q13.33.
Variant type: single nucleotide variant.
Coding change: c.852G>C on transcript NM_080473.5 (MANE Select); coding-DNA position 852, G replaced by C.
Protein change: p.Lys284Asn; replaces lysine 284 with asparagine.
Molecular consequence: missense variant.
Genome position (GRCh38, 1-based): chr20:62,465,895, C>G on the plus strand (G>C on the coding strand, the complement: GATA5 is on the minus strand). VCF-style: chr20-62465895-C-G. GRCh37 (hg19) VCF-style: chr20-61040951-C-G.
Other names: short protein forms K284N.
Identifiers: ClinVar variation 2170102 (VCV002170102.4), dbSNP rs6587239, ClinGen allele CA9946148.

ClinVar aggregate classification (germline): Uncertain significance (1 of 4 stars; one submission).

gnomAD v4.1: 15 of 1,595,634 alleles (0.00094%); highest among the groups gnomAD compares: Non-Finnish European, 0.0013%; no homozygotes.

Submission:

Labcorp Genetics (formerly Invitae), Labcorp
Classification: Uncertain significance. Last evaluated: 2024-12-24. Review status: criteria provided, single submitter. Criteria: Invitae Variant Classification Sherloc (09022015). Collection method: clinical testing. Allele origin: germline.
Comment: This sequence change replaces lysine, which is basic and polar, with asparagine, which is neutral and polar, at codon 284 of the GATA5 protein (p.Lys284Asn). This variant is present in population databases (rs6587239, gnomAD 0.002%). This variant has not been reported in the literature in individuals affected with GATA5-related conditions. ClinVar contains an entry for this variant (Variation ID: 2170102). Invitae Evidence Modeling of protein sequence and biophysical properties (such as structural, functional, and spatial information, amino acid conservation, physicochemical variation, residue mobility, and thermodynamic stability) indicates that this missense variant is expected to disrupt GATA5 protein function with a positive predictive value of 80%. In summary, the available evidence is currently insufficient to determine the role of this variant in disease. Therefore, it has been classified as a Variant of Uncertain Significance.